The following is an entry in ClinVar:

Conditions:
Long QT syndrome 5 (LQT5). Identifiers: Orphanet 101016, Orphanet 768, MedGen C1867904, MONDO:0013372, OMIM 613695.

Submission:

Roden Lab, Vanderbilt University Medical Center
No classification provided (evidence only). Condition: Long QT syndrome 5. Review status: no classification provided. Collection method: in vitro. Allele origin: not applicable. Functional consequence: Effect on ion channel function.
ClinVar note: "not provided" was previously submitted as the classification for the variant. However, the classification appeared to be based only on an observation of functional data so it was converted to no classification on 2025-07-30.

NM_000219.6(KCNE1):c.218A>C (p.His73Pro)

Gene: KCNE1 (potassium voltage-gated channel subfamily E regulatory subunit 1; minus strand). Cytogenetic location: 21q22.12.
Variant type: single nucleotide variant.
Coding change: c.218A>C on transcript NM_000219.6 (MANE Select); coding-DNA position 218, A replaced by C.
Protein change: p.His73Pro; replaces histidine 73 with proline.
Molecular consequence: missense variant.
Genome position (GRCh38, 1-based): chr21:34,449,417, T>G on the plus strand (A>C on the coding strand, the complement: KCNE1 is on the minus strand). VCF-style: chr21-34449417-T-G. GRCh37 (hg19) VCF-style: chr21-35821715-T-G.
Other names: c.218A>C, p.His73Pro (NM_001127668.4, NM_001127669.4, NM_001127670.4 and 4 more transcripts); short protein forms H73P.
Identifiers: ClinVar variation 3374356 (VCV003374356.2).